The following is an entry in ClinVar:

ClinVar aggregate classification (germline): Pathogenic (1 of 4 stars; one submission).

Conditions:
Mosaic variegated aneuploidy syndrome 2 (MVA2). Identifiers: Orphanet 1052, MedGen C3279843, MONDO:0013582, OMIM 614114.

Submission:

Labcorp Genetics (formerly Invitae), Labcorp
Classification: Pathogenic for Mosaic variegated aneuploidy syndrome 2. Last evaluated: 2022-05-03. Review status: criteria provided, single submitter. Criteria: Invitae Variant Classification Sherloc (09022015). Collection method: clinical testing. Allele origin: germline.
Comment: A gross deletion of the genomic region encompassing the full coding sequence of the CEP57 gene has been identified. Loss-of-function variants in CEP57 are known to be pathogenic (PMID: 21552266, 24259107). The boundaries of this event are unknown as they extend beyond the assayed region for this gene and therefore may encompass additional genes. This variant has not been reported in the literature in individuals affected with CEP57-related conditions. For these reasons, this variant has been classified as Pathogenic.

Literature cited by the submitters: PubMed 21552266; PubMed 24259107.

NC_000011.9:g.(?_95523863)_(95564420_?)del

Gene: CEP57 (centrosomal protein 57; plus strand). Cytogenetic location: 11q21.
Variant type: Deletion.
Identifiers: ClinVar variation 2425964 (VCV002425964.3).